The following is an entry in ClinVar:

ClinVar aggregate classification (germline): Benign. Review status: criteria provided, multiple submitters, no conflicts (2 of 4 stars). 4 submissions from 4 submitters: Benign (3). 1 of the submissions does not count toward it. Last evaluated 2024-11-27.

Conditions:
NCAPD3-related disorder. Also called: NCAPD3-related condition.

Allele frequency attached by ClinVar (database versions not stated): gnomAD exomes 0.00135; ExAC 0.00171; gnomAD 0.00514 and 0.00554; 1000 Genomes Project 0.00519; TOPMed 0.00574; 1000 Genomes Project 30x 0.00593; ESP Exome Variant Server 0.00693.
gnomAD v4.1: 1,463 of 1,614,186 alleles (0.091%); highest among the groups gnomAD compares: African/African-American, 1.8%; 9 homozygotes.

Submissions (4):

Blueprint Genetics
Classification: Benign. Last evaluated: 2024-11-27. Review status: criteria provided, single submitter. Criteria: ACMG Guidelines, 2015. Collection method: clinical testing. Allele origin: germline.

Labcorp Genetics (formerly Invitae), Labcorp
Classification: Benign. Last evaluated: 2018-07-23. Review status: criteria provided, single submitter. Criteria: Invitae Variant Classification Sherloc (09022015). Collection method: clinical testing. Allele origin: germline.

Breakthrough Genomics
Classification: Benign. Review status: criteria provided, single submitter. Criteria: ACMG Guidelines, 2015. Collection method: not provided. Allele origin: germline. Inheritance: Autosomal recessive inheritance. Affected: yes.

PreventionGenetics, part of Exact Sciences
Classification: Benign for NCAPD3-related condition. Last evaluated: 2019-05-20. Review status: no assertion criteria provided. Collection method: clinical testing. Allele origin: germline. Not counted in ClinVar's aggregate classification.
Comment: This variant is classified as benign based on ACMG/AMP sequence variant interpretation guidelines (Richards et al. 2015 PMID: 25741868, with internal and published modifications).

NM_015261.3(NCAPD3):c.3934G>A (p.Val1312Met)

Gene: NCAPD3 (non-SMC condensin II complex subunit D3; minus strand). Cytogenetic location: 11q25.
Variant type: single nucleotide variant.
Coding change: c.3934G>A on transcript NM_015261.3 (MANE Select); coding-DNA position 3934, G replaced by A.
Protein change: p.Val1312Met; replaces valine 1312 with methionine.
Molecular consequence: missense variant.
Genome position (GRCh38, 1-based): chr11:134,158,429, C>T on the plus strand (G>A on the coding strand, the complement: NCAPD3 is on the minus strand). VCF-style: chr11-134158429-C-T. GRCh37 (hg19) VCF-style: chr11-134028324-C-T.
Other names: c.3934G>A, p.Val1312Met (NM_001372065.1, NM_001372068.1); c.3520G>A, p.Val1174Met (NM_001372069.1, NM_001372070.1); short protein forms V1312M, V1174M.
Identifiers: ClinVar variation 717006 (VCV000717006.7), dbSNP rs75941252, ClinGen allele CA6370631.